The following is an entry in ClinVar:

ClinVar aggregate classification (germline): Uncertain significance. Review status: criteria provided, multiple submitters, no conflicts (2 of 4 stars). 2 submissions from 2 submitters: Uncertain significance (2). Last evaluated 2021-09-01.

Allele frequency attached by ClinVar (database versions not stated): TOPMed 0.00017; gnomAD 0.00023.
gnomAD v4.1: 55 of 1,613,882 alleles (0.0034%); highest among the groups gnomAD compares: Admixed American, 0.087%; no homozygotes.

Submissions (2):

Labcorp Genetics (formerly Invitae), Labcorp
Classification: Uncertain significance. Last evaluated: 2021-09-01. Review status: criteria provided, single submitter. Criteria: Invitae Variant Classification Sherloc (09022015). Collection method: clinical testing. Allele origin: germline.
Comment: This sequence change replaces asparagine with lysine at codon 328 of the USH1C protein (p.Asn328Lys). The asparagine residue is highly conserved and there is a moderate physicochemical difference between asparagine and lysine. This variant is not present in population databases (ExAC no frequency). This variant has not been reported in the literature in individuals affected with USH1C-related conditions. Algorithms developed to predict the effect of missense changes on protein structure and function (SIFT, PolyPhen-2, Align-GVGD) all suggest that this variant is likely to be disruptive. In summary, the available evidence is currently insufficient to determine the role of this variant in disease. Therefore, it has been classified as a Variant of Uncertain Significance.

Blueprint Genetics
Classification: Uncertain significance. Last evaluated: 2019-02-05. Review status: criteria provided, single submitter. Criteria: ACMG Guidelines, 2015. Collection method: clinical testing. Allele origin: germline.

NM_153676.4(USH1C):c.984C>G (p.Asn328Lys)

Gene: USH1C (USH1 protein network component harmonin; minus strand). Cytogenetic location: 11p15.1.
Variant type: single nucleotide variant.
Coding change: c.984C>G on transcript NM_153676.4 (MANE Select); coding-DNA position 984, C replaced by G.
Protein change: p.Asn328Lys; replaces asparagine 328 with lysine.
Molecular consequence: missense variant. On other transcripts: non-coding transcript variant (1).
Genome position (GRCh38, 1-based): chr11:17,522,819, G>C on the plus strand (C>G on the coding strand, the complement: USH1C is on the minus strand). VCF-style: chr11-17522819-G-C. GRCh37 (hg19) VCF-style: chr11-17544366-G-C.
Other names: c.927C>G, p.Asn309Lys (NM_001297764.2); c.984C>G, p.Asn328Lys (NM_005709.4); short protein forms N328K, N309K.
Identifiers: ClinVar variation 2144567 (VCV002144567.2), dbSNP rs1328527104, ClinGen allele CA379787225.
Genomic context (GRCh38, chr11:17,522,819, plus strand): 5'-GGCATCCAGGGCTGGCTGCACTCACTGCCGCTCCATCTCCTGCTGCTCCTGGAGGATCTT[G>C]TTGGACTCCATCGCCAGCCGCTTCTGCATGAGAAGCTCCTGCCGCTGCAGCTCACGCTGC-3'
Protein context (NP_710142.1, residues 318-338): LMQKRLAMES[Asn328Lys]KILQEQQEME